The following is an entry in ClinVar:

ClinVar aggregate classification (germline): Conflicting classifications of pathogenicity. Review status: criteria provided, conflicting classifications (1 of 4 stars). 2 submissions from 2 submitters: Likely pathogenic (1); Uncertain significance (1). Last evaluated 2024-10-25.

Conditions:
Autosomal dominant nonsyndromic hearing loss 6 (LFSNHL). Also called: DEAFNESS, AUTOSOMAL DOMINANT 14; DEAFNESS, AUTOSOMAL DOMINANT 38; DEAFNESS, AUTOSOMAL DOMINANT 6; Autosomal dominant nonsyndromic deafness 6. Identifiers: Orphanet 90635, MedGen C1833021, MONDO:0010963, OMIM 600965.
Type 2 diabetes mellitus. Also called: Type II diabetes mellitus. Identifiers: MedGen C0011860, MeSH D003924, MONDO:0005148, OMIM 125853, HP:0005978.
Cataract 41 (CTRCT41). Also called: CATARACT 41, CONGENITAL NUCLEAR TYPE. Identifiers: Orphanet 91492, Orphanet 98991, Orphanet 98992, Orphanet 98995, MedGen C3805412, MONDO:0007287, OMIM 116400.
Wolfram syndrome 1 (WFS1). Identifiers: Orphanet 3463, MedGen C4551693, MONDO:0009101, OMIM 222300.
Wolfram-like syndrome. Also called: HEARING LOSS, PROGRESSIVE, WITH OPTIC ATROPHY AND/OR IMPAIRED GLUCOSE REGULATION. Identifiers: Orphanet 411590, MedGen C3280358, MONDO:0013673, OMIM 614296.

gnomAD v4.1: 1 of 1,614,138 alleles (0.000062%); highest among the groups gnomAD compares: Admixed American, 0.0017%; no homozygotes.

Submissions (2):

Labcorp Genetics (formerly Invitae), Labcorp
Classification: Likely pathogenic. Last evaluated: 2024-10-25. Review status: criteria provided, single submitter. Criteria: Invitae Variant Classification Sherloc (09022015). Collection method: clinical testing. Allele origin: germline.
Comment: This sequence change replaces threonine, which is neutral and polar, with serine, which is neutral and polar, at codon 361 of the WFS1 protein (p.Thr361Ser). This variant is not present in population databases (gnomAD no frequency). This variant has not been reported in the literature in individuals affected with WFS1-related conditions. ClinVar contains an entry for this variant (Variation ID: 1486730). Invitae Evidence Modeling of protein sequence and biophysical properties (such as structural, functional, and spatial information, amino acid conservation, physicochemical variation, residue mobility, and thermodynamic stability) has been performed for this missense variant. However, the output from this modeling did not meet the statistical confidence thresholds required to predict the impact of this variant on WFS1 protein function. This variant disrupts the p.Thr361 amino acid residue in WFS1. Other variant(s) that disrupt this residue have been determined to be pathogenic (PMID: 21446023, 25895475, 31692161). This suggests that this residue is clinically significant, and that variants that disrupt this residue are likely to be disease-causing. In summary, the currently available evidence indicates that the variant is pathogenic, but additional data are needed to prove that conclusively. Therefore, this variant has been classified as Likely Pathogenic.

Fulgent Genetics
Classification: Uncertain significance for Cataract 41; Type 2 diabetes mellitus; Wolfram syndrome 1; Autosomal dominant nonsyndromic hearing loss 6; Wolfram-like syndrome. Last evaluated: 2024-02-14. Review status: criteria provided, single submitter. Criteria: ACMG Guidelines, 2015. Collection method: clinical testing. Allele origin: germline.

Literature cited by the submitters: PubMed 21446023 (cited by Labcorp Genetics (formerly Invitae), Labcorp); PubMed 25895475 (cited by Labcorp Genetics (formerly Invitae), Labcorp); PubMed 31692161 (cited by Labcorp Genetics (formerly Invitae), Labcorp).

NM_006005.3(WFS1):c.1082C>G (p.Thr361Ser)

Gene: WFS1 (wolframin ER transmembrane glycoprotein; plus strand). Cytogenetic location: 4p16.1.
Variant type: single nucleotide variant.
Coding change: c.1082C>G on transcript NM_006005.3 (MANE Select); coding-DNA position 1082, C replaced by G.
Protein change: p.Thr361Ser; replaces threonine 361 with serine.
Molecular consequence: missense variant.
Genome position (GRCh38, 1-based): chr4:6,300,877, C>G. VCF-style: chr4-6300877-C-G. GRCh37 (hg19) VCF-style: chr4-6302604-C-G.
Other names: c.1082C>G, p.Thr361Ser (NM_001145853.1); short protein forms T361S.
Identifiers: ClinVar variation 1486730 (VCV001486730.7), dbSNP rs781575919, ClinGen allele CA356174217.
Genomic context (GRCh38, chr4:6,300,877, plus strand): 5'-TCGCCTTCTTCATCCCGCTGGTCATCTTCTACCTGTCCTTCATCTCCATGGTGATCTGCA[C>G]CCTCAAGGTGTTCCAGGACAGCAAGGCCTGGGAGAACTTCCGCACCCTCACCGACCTGCT-3'
Protein context (NP_005996.2, residues 351-371): YLSFISMVIC[Thr361Ser]LKVFQDSKAW